The following is an entry in ClinVar:

ClinVar aggregate classification (germline): Uncertain significance (1 of 4 stars; one submission).

Submission:

Labcorp Genetics (formerly Invitae), Labcorp
Classification: Uncertain significance. Last evaluated: 2024-04-06. Review status: criteria provided, single submitter. Criteria: Invitae Variant Classification Sherloc (09022015). Collection method: clinical testing. Allele origin: germline.
Comment: This sequence change replaces histidine, which is basic and polar, with tyrosine, which is neutral and polar, at codon 1223 of the DUOX2 protein (p.His1223Tyr). This variant is not present in population databases (gnomAD no frequency). This variant has not been reported in the literature in individuals affected with DUOX2-related conditions. Advanced modeling of protein sequence and biophysical properties (such as structural, functional, and spatial information, amino acid conservation, physicochemical variation, residue mobility, and thermodynamic stability) performed at Invitae indicates that this missense variant is not expected to disrupt DUOX2 protein function with a negative predictive value of 80%. In summary, the available evidence is currently insufficient to determine the role of this variant in disease. Therefore, it has been classified as a Variant of Uncertain Significance.

NM_001363711.2(DUOX2):c.3667C>T (p.His1223Tyr)

Gene: DUOX2 (dual oxidase 2; minus strand). Cytogenetic location: 15q21.1.
Variant type: single nucleotide variant.
Coding change: c.3667C>T on transcript NM_001363711.2 (MANE Select); coding-DNA position 3667, C replaced by T.
Protein change: p.His1223Tyr; replaces histidine 1223 with tyrosine.
Molecular consequence: missense variant.
Genome position (GRCh38, 1-based): chr15:45,097,640, G>A on the plus strand (C>T on the coding strand, the complement: DUOX2 is on the minus strand). VCF-style: chr15-45097640-G-A. GRCh37 (hg19) VCF-style: chr15-45389838-G-A.
Other names: c.3667C>T, p.His1223Tyr (NM_014080.5); short protein forms H1223Y.
Identifiers: ClinVar variation 3622962 (VCV003622962.2).